The following is an entry in ClinVar:

ClinVar aggregate classification (germline): Likely pathogenic. Review status: reviewed by expert panel (3 of 4 stars). 2 submissions from 2 submitters: Likely pathogenic (1). 1 of the submissions does not count toward it. Last evaluated 2023-10-23.

Conditions:
Mitochondrial disease. Also called: Mitochondrial disorder; Mitochondrial disorders. Identifiers: Orphanet 68380, MedGen C0751651, MeSH D028361, MONDO:0044970.
Leigh syndrome (NULS). Also called: Leigh's necrotizing encephalopathy; Leigh's disease; Leigh Disease; Subacute necrotizing encephalopathy; Necrotizing encephalopathy infantile subacute of Leigh; LEIGH SYNDROME, NUCLEAR. Identifiers: Orphanet 506, MedGen C2931891, MONDO:0009723, OMIM 256000.

Submissions (2):

ClinGen Mitochondrial Disease Nuclear and Mitochondrial  Variant Curation Expert Panel, ClinGen
Classification: Likely pathogenic for Mitochondrial disease. Last evaluated: 2023-10-23. Review status: reviewed by expert panel. Criteria: clingen mito disease acmg specifications v1-1. Collection method: curation. Allele origin: germline. Inheritance: Mitochondrial inheritance.
Comment: The m.10254G>A (p.D66N) variant in MT-ND3 has been reported in at least five unrelated individuals with primary mitochondrial disease. Three individuals had features consistent with Leigh syndrome, with onset in or around the first year of life, and two individuals had features of optic neuropathy (PS4_moderate; PMIDs: 20202874, 27290639, 26238931, 36913248). There are at least two de novo occurrences reported in the literature (PM6; PMIDs: 20202874, 27290639). The computational predictors APOGEE1 and APOGEE2 give a consensus rating of pathogenic with raw scores of 0.56 and 0.925, respectively (Min=0, Max=1), which predict a damaging effect on gene function (PP3). This variant is absent in the GenBank dataset, Helix dataset, and gnomAD v3.1.2 (PM2_supporting). In summary, this variant meets criteria to be classified as likely pathogenic for primary mitochondrial disease inherited in a mitochondrial manner. This classification was approved by the NICHD/NINDS U24 ClinGen Mitochondrial Disease Variant Curation Expert Panel on October 23, 2023. Mitochondrial DNA-specific ACMG/AMP criteria applied (PMID: 32906214): PS4_moderate, PM6, PM2_supporting, PP3.

GeneReviews
No classification provided. Condition: Leigh syndrome. Review status: no classification provided. Collection method: literature only. Allele origin: germline. Not counted in ClinVar's aggregate classification.

Literature cited by the submitters: NCBI Bookshelf NBK1173 (cited by GeneReviews).

NC_012920.1(MT-ND3):m.10254G>A

Gene: MT-ND3 (mitochondrially encoded NADH dehydrogenase 3; plus strand).
Variant type: single nucleotide variant.
Genome position: chrM-10254-G-A.
Identifiers: ClinVar variation 155887 (VCV000155887.5), dbSNP rs587776438, ClinGen allele CA345916.